The following is an entry in ClinVar:

ClinVar aggregate classification (germline): Benign. Review status: criteria provided, single submitter (1 of 4 stars). 2 submissions from 2 submitters: Benign (1). 1 of the submissions does not count toward it. Last evaluated 2025-08-09.

Conditions:
Kabuki syndrome. Also called: NIIKAWA-KUROKI SYNDROME; Kabuki make-up syndrome. Identifiers: Orphanet 2322, MedGen C0796004, MONDO:0016512.
KMT2D-related disorder. Also called: KMT2D-Related Disorders.

gnomAD v4.1: 3 of 1,613,934 alleles (0.00019%); highest among the groups gnomAD compares: African/African-American, 0.004%; no homozygotes.

Submissions (2):

Labcorp Genetics (formerly Invitae), Labcorp
Classification: Benign for Kabuki syndrome. Last evaluated: 2025-08-09. Review status: criteria provided, single submitter. Criteria: Invitae Variant Classification Sherloc (09022015). Collection method: clinical testing. Allele origin: germline.

PreventionGenetics, part of Exact Sciences
Classification: Uncertain significance for KMT2D-related condition. Last evaluated: 2024-07-11. Review status: no assertion criteria provided. Collection method: clinical testing. Allele origin: germline. Not counted in ClinVar's aggregate classification.
Comment: The KMT2D c.14974C>A variant is predicted to result in the amino acid substitution p.Leu4992Met. To our knowledge, this variant has not been reported in the literature. This variant is reported in 0.0065% of alleles in individuals of African descent in gnomAD. At this time, the clinical significance of this variant is uncertain due to the absence of conclusive functional and genetic evidence.

NM_003482.4(KMT2D):c.14974C>A (p.Leu4992Met)

Gene: KMT2D (lysine methyltransferase 2D; minus strand). Cytogenetic location: 12q13.12.
Variant type: single nucleotide variant.
Coding change: c.14974C>A on transcript NM_003482.4 (MANE Select); coding-DNA position 14974, C replaced by A.
Protein change: p.Leu4992Met; replaces leucine 4992 with methionine.
Molecular consequence: missense variant.
Genome position (GRCh38, 1-based): chr12:49,026,992, G>T on the plus strand (C>A on the coding strand, the complement: KMT2D is on the minus strand). VCF-style: chr12-49026992-G-T. GRCh37 (hg19) VCF-style: chr12-49420775-G-T.
Other names: short protein forms L4992M.
Identifiers: ClinVar variation 3351338 (VCV003351338.2).